The following is an entry in ClinVar:

ClinVar aggregate classification (germline): Uncertain significance. Review status: criteria provided, multiple submitters, no conflicts (2 of 4 stars). 5 submissions from 5 submitters: Uncertain significance (4). 1 of the submissions does not count toward it. Last evaluated 2026-03-30.

Conditions:
Pontocerebellar hypoplasia type 4 (PCH4). Also called: Pontocerebellar Hypoplasia Type 4 (PCH4). Identifiers: Orphanet 166063, MedGen C1856974, MONDO:0009166, OMIM 225753.

Allele frequency attached by ClinVar (database versions not stated): gnomAD 0.00001; gnomAD exomes below 0.00001; TOPMed below 0.00001.

Submissions (5):

Women's Health and Genetics/Laboratory Corporation of America, LabCorp
Classification: Uncertain significance. Last evaluated: 2026-03-30. Review status: criteria provided, single submitter. Criteria: LabCorp Variant Classification Summary - May 2015. Collection method: clinical testing. Allele origin: germline.
Comment: Variant summary: TSEN54 c.277T>C (p.Ser93Pro) results in a non-conservative amino acid change in the encoded protein sequence. Algorithms developed to predict the effect of missense changes on protein structure and function all suggest that this variant is likely to be disruptive. The variant was absent in 214094 control chromosomes. The available data on variant occurrences in the general population are insufficient to allow any conclusion about variant significance. c.277T>C has been observed in an individual affected with Pontocerebellar Hypoplasia (Budde_2008). These report(s) do not provide unequivocal conclusions about association of the variant with Pontocerebellar Hypoplasia. Co-occurrences with other pathogenic variant have been reported (TSEN54 c.919G>T, p.Ala307Ser), providing supporting evidence for a benign role. To our knowledge, no experimental evidence demonstrating an impact on protein function has been reported. The following publication have been ascertained in the context of this evaluation (PMID: 18711368). ClinVar contains an entry for this variant (Variation ID: 38455). Based on the evidence outlined above, the variant was classified as uncertain significance.

Labcorp Genetics (formerly Invitae), Labcorp
Classification: Uncertain significance. Last evaluated: 2021-12-28. Review status: criteria provided, single submitter. Criteria: Invitae Variant Classification Sherloc (09022015). Collection method: clinical testing. Allele origin: germline.
Comment: This sequence change replaces serine, which is neutral and polar, with proline, which is neutral and non-polar, at codon 93 of the TSEN54 protein (p.Ser93Pro). This variant is not present in population databases (gnomAD no frequency). This missense change has been observed in individual(s) with clinical features of TSEN54-related conditions (PMID: 18711368, 20952379). ClinVar contains an entry for this variant (Variation ID: 38455). Algorithms developed to predict the effect of missense changes on protein structure and function are either unavailable or do not agree on the potential impact of this missense change (SIFT: "Deleterious"; PolyPhen-2: "Probably Damaging"; Align-GVGD: "Class C0"). In summary, the available evidence is currently insufficient to determine the role of this variant in disease. Therefore, it has been classified as a Variant of Uncertain Significance.

GeneDx
Classification: Uncertain significance. Last evaluated: 2021-12-17. Review status: criteria provided, single submitter. Criteria: GeneDx Variant Classification Process June 2021. Collection method: clinical testing. Allele origin: germline. Affected: yes.
Comment: In silico analysis supports that this missense variant has a deleterious effect on protein structure/function; Not observed at significant frequency in large population cohorts (gnomAD); This variant is associated with the following publications: (PMID: 34584079, 21368912, 20952379, 18711368)

Mendelics
Classification: Uncertain significance for Pontocerebellar hypoplasia type 4. Last evaluated: 2019-05-28. Review status: criteria provided, single submitter. Criteria: Mendelics Assertion Criteria 2017. Collection method: clinical testing. Allele origin: unknown.

GeneReviews
No classification provided. Condition: Pontocerebellar hypoplasia type 4. Review status: no classification provided. Collection method: literature only. Allele origin: unknown. Not counted in ClinVar's aggregate classification.

Literature cited by the submitters: PubMed 18711368 (cited by Women's Health and Genetics/Laboratory Corporation of America, LabCorp and Labcorp Genetics (formerly Invitae), Labcorp); PubMed 20952379 (cited by Labcorp Genetics (formerly Invitae), Labcorp); PubMed 20301773 (cited by GeneReviews); NCBI Bookshelf NBK9673 (cited by GeneReviews).

NM_207346.3(TSEN54):c.277T>C (p.Ser93Pro)

Gene: TSEN54 (tRNA splicing endonuclease subunit 54; plus strand). Cytogenetic location: 17q25.1.
Variant type: single nucleotide variant.
Coding change: c.277T>C on transcript NM_207346.3 (MANE Select); coding-DNA position 277, T replaced by C.
Protein change: p.Ser93Pro; replaces serine 93 with proline.
Molecular consequence: missense variant.
Genome position (GRCh38, 1-based): chr17:75,517,064, T>C. VCF-style: chr17-75517064-T-C. GRCh37 (hg19) VCF-style: chr17-73513145-T-C.
Other names: short protein forms S93P.
Identifiers: ClinVar variation 38455 (VCV000038455.8), dbSNP rs113994151, ClinGen allele CA342909.
Genomic context (GRCh38, chr17:75,517,064, plus strand): 5'-GCCAGGGGCAGCTTGGTGGCTGCCGAGTGGAGGCCAGAAGAGGGCTTCGTGGAGTTGAAG[T>C]CTCCCGCGGTGAGCGGCGGGCTCGGGGACCGGGGACCGCCCTCCCTGCCCTCCCTGCCCT-3'
Protein context (NP_997229.2, residues 83-103): RPEEGFVELK[Ser93Pro]PAGKFWQTMG